The following is an entry in ClinVar:

ClinVar aggregate classification (germline): Pathogenic (1 of 4 stars; one submission).

Submission:

Quest Diagnostics Nichols Institute San Juan Capistrano
Classification: Pathogenic. Last evaluated: 2023-10-20. Review status: criteria provided, single submitter. Criteria: ACMG/ClinGen CNV Guidelines, 2019. Collection method: clinical testing. Allele origin: unknown.
Comment: This deletion encompasses the recurrent 15q11.2q13 type 1 deletion (BP1-BP3; ISCA-37404; Dagli 2021, Driscoll 2023) of the Prader-Willi/Angelman Syndrome region and involves imprinted genes SNRPN (OMIM 182279) and UBE3A (OMIM 601623; CCID:008077). Thus, this copy number variant (CNV) is classified as pathogenic. References: Dagli et al., GeneReviews, [2021 Apr 22]. PMID: 20301323; Driscoll et al., GeneReviews, [2023 Nov 2]. PMID: 20301505

GRCh37/hg19 15q11.2-13.1(chr15:22770421-28823722)x1

Genes: GOLGA6L2 (golgin A6 family like 2; minus strand), ATP10A (ATPase phospholipid transporting 10A (putative); minus strand), CYFIP1 (cytoplasmic FMR1 interacting protein 1; minus strand), GABRA5 (gamma-aminobutyric acid type A receptor subunit alpha5; plus strand), GABRB3 (gamma-aminobutyric acid type A receptor subunit beta3; minus strand) and 23 more. Cytogenetic location: 15q11.2-13.1.
Variant type: copy number loss.
Change: copy number 1 (one copy instead of two) of chr15:22,770,421-28,823,722 (6.05 Mb, GRCh37 coordinates, 1-based), cytogenetic band 15q11.2-13.1.
Identifiers: ClinVar variation 564144 (VCV000564144.4).